The following is an entry in ClinVar:

NM_025216.3(WNT10A):c.131T>C (p.Ile44Thr)

Gene: WNT10A (Wnt family member 10A; plus strand). Cytogenetic location: 2q35.
Variant type: single nucleotide variant.
Coding change: c.131T>C on transcript NM_025216.3 (MANE Select); coding-DNA position 131, T replaced by C.
Protein change: p.Ile44Thr; replaces isoleucine 44 with threonine.
Molecular consequence: missense variant.
Genome position (GRCh38, 1-based): chr2:218,882,178, T>C. VCF-style: chr2-218882178-T-C. GRCh37 (hg19) VCF-style: chr2-219746900-T-C.
Other names: short protein forms I44T.
Identifiers: ClinVar variation 2430419 (VCV002430419.1), dbSNP rs2470303155, ClinGen allele CA350618060.

ClinVar aggregate classification (germline): Uncertain significance (1 of 4 stars; one submission).

Submission:

GeneDx
Classification: Uncertain significance. Last evaluated: 2022-08-14. Review status: criteria provided, single submitter. Criteria: GeneDx Variant Classification Process June 2021. Collection method: clinical testing. Allele origin: germline. Affected: yes.
Comment: Not observed at significant frequency in large population cohorts (gnomAD); In silico analysis supports that this missense variant does not alter protein structure/function; Has not been previously published as pathogenic or benign to our knowledge